The following is an entry in ClinVar:

NM_004863.4(SPTLC2):c.*1014C>T

Gene: SPTLC2 (serine palmitoyltransferase long chain base subunit 2; minus strand). Cytogenetic location: 14q24.3.
Variant type: single nucleotide variant.
Coding change: c.*1014C>T on transcript NM_004863.4 (MANE Select); 1014 bases downstream of the stop codon, C replaced by T.
Molecular consequence: 3 prime UTR variant.
Genome position (GRCh38, 1-based): chr14:77,511,270, G>A on the plus strand (C>T on the coding strand, the complement: SPTLC2 is on the minus strand). VCF-style: chr14-77511270-G-A. GRCh37 (hg19) VCF-style: chr14-77977613-G-A.
Identifiers: ClinVar variation 314647 (VCV000314647.5), dbSNP rs116563416, ClinGen allele CA10635432.

ClinVar aggregate classification (germline): Benign (1 of 4 stars; one submission).

Conditions:
Neuropathy, hereditary sensory and autonomic, type 1C. Also called: HSAN IC; HSN IC. Identifiers: Orphanet 36386, MedGen C3150896, MONDO:0013337, OMIM 613640.

Allele frequency attached by ClinVar (database versions not stated): gnomAD 0.01128 and 0.01210; 1000 Genomes Project 0.01238; TOPMed 0.01281; 1000 Genomes Project 30x 0.01343.

Submission:

Illumina Laboratory Services, Illumina
Classification: Benign for Neuropathy, hereditary sensory and autonomic, type 1C. Last evaluated: 2018-01-12. Review status: criteria provided, single submitter. Criteria: ICSL Variant Classification Criteria 13 December 2019. Collection method: clinical testing. Allele origin: germline.
Comment: This variant was observed in the ICSL laboratory as part of a predisposition screen in an ostensibly healthy population. It had not been previously curated by ICSL or reported in the Human Gene Mutation Database (HGMD: prior to June 1st, 2018), and was therefore a candidate for classification through an automated scoring system. Utilizing variant allele frequency, disease prevalence and penetrance estimates, and inheritance mode, an automated score was calculated to assess if this variant is too frequent to cause the disease. Based on the score and internal cut-off values, a variant classified as benign is not then subjected to further curation. The score for this variant resulted in a classification of benign for this disease.